The following is an entry in ClinVar:

ClinVar aggregate classification (germline): Conflicting classifications of pathogenicity. Review status: criteria provided, conflicting classifications (1 of 4 stars). 2 submissions from 2 submitters: Uncertain significance (1); Likely benign (1). Last evaluated 2026-09-01.

Conditions:
Emery-Dreifuss muscular dystrophy 5, autosomal dominant (EDMD5). Also called: EMERY-DREIFUSS MUSCULAR DYSTROPHY 5. Identifiers: Orphanet 261, MedGen C2751805, MONDO:0013072, OMIM 612999.

gnomAD v4.1: 5 of 1,614,082 alleles (0.00031%); highest among the groups gnomAD compares: Non-Finnish European, 0.00042%; no homozygotes.

Submissions (2):

CeGaT Center for Human Genetics Tuebingen
Classification: Likely benign. Last evaluated: 2026-09-01. Review status: criteria provided, single submitter. Criteria: CeGaT Center For Human Genetics Tuebingen Variant Classification Criteria Version 2. Collection method: clinical testing. Allele origin: germline. Affected: yes. Observed: 1 variant allele.
Comment: SYNE2: BP4

Labcorp Genetics (formerly Invitae), Labcorp
Classification: Uncertain significance for Emery-Dreifuss muscular dystrophy 5, autosomal dominant. Last evaluated: 2024-06-03. Review status: criteria provided, single submitter. Criteria: Invitae Variant Classification Sherloc (09022015). Collection method: clinical testing. Allele origin: germline.
Comment: This sequence change replaces lysine, which is basic and polar, with isoleucine, which is neutral and non-polar, at codon 3497 of the SYNE2 protein (p.Lys3497Ile). This variant is not present in population databases (gnomAD no frequency). This variant has not been reported in the literature in individuals affected with SYNE2-related conditions. An algorithm developed to predict the effect of missense changes on protein structure and function (PolyPhen-2) suggests that this variant is likely to be disruptive. In summary, the available evidence is currently insufficient to determine the role of this variant in disease. Therefore, it has been classified as a Variant of Uncertain Significance.

NM_182914.3(SYNE2):c.10490A>T (p.Lys3497Ile)

Gene: SYNE2 (spectrin repeat containing nuclear envelope protein 2; plus strand). Cytogenetic location: 14q23.2.
Variant type: single nucleotide variant.
Coding change: c.10490A>T on transcript NM_182914.3 (MANE Select); coding-DNA position 10490, A replaced by T.
Protein change: p.Lys3497Ile; replaces lysine 3497 with isoleucine.
Molecular consequence: missense variant.
Genome position (GRCh38, 1-based): chr14:64,070,703, A>T. VCF-style: chr14-64070703-A-T. GRCh37 (hg19) VCF-style: chr14-64537421-A-T.
Other names: c.10490A>T, p.Lys3497Ile (NM_015180.6); short protein forms K3497I.
Identifiers: ClinVar variation 3624063 (VCV003624063.3).